The following is an entry in ClinVar:

ClinVar aggregate classification (germline): Likely benign (1 of 4 stars; one submission).

Conditions:
Hereditary breast ovarian cancer syndrome. Also called: Hereditary breast and ovarian cancer; Hereditary breast and ovarian cancer syndrome (HBOC); Breast and ovarian cancer; Hereditary breast and/or ovarian cancer syndrome; BRCA1- and BRCA2-Associated Hereditary Breast and Ovarian Cancer; Hereditary breast and ovarian cancer syndrome. Identifiers: Orphanet 145, MedGen C0677776, MeSH D061325, MONDO:0003582. Disease mechanism: loss of function.

gnomAD v4.1: 1 of 1,600,802 alleles (0.000062%); highest among the groups gnomAD compares: Non-Finnish European, 0.000086%; no homozygotes.

Submissions (2):

Labcorp Genetics (formerly Invitae), Labcorp
Classification: Likely benign for Hereditary breast ovarian cancer syndrome. Last evaluated: 2024-09-24. Review status: criteria provided, single submitter. Criteria: Invitae Variant Classification Sherloc (09022015). Collection method: clinical testing. Allele origin: germline.

Brotman Baty Institute, University of Washington
No classification provided (evidence only). Condition: Breast-ovarian cancer, familial 1. Review status: no classification provided. Collection method: in vitro. Allele origin: not applicable. Functional consequence: functionally_normal. Not counted in ClinVar's aggregate classification.
ClinVar note: "not provided" was previously submitted as the classification for the variant. However, the classification appeared to be based only on an observation of functional data so it was converted to no classification on 2025-07-30.

NM_007294.4(BRCA1):c.5193+11G>A

Gene: BRCA1 (BRCA1 DNA repair associated; minus strand). Cytogenetic location: 17q21.31.
Variant type: single nucleotide variant.
Coding change: c.5193+11G>A on transcript NM_007294.4 (MANE Select); 11 bases into the intron after coding-DNA position 5193, G replaced by A.
Molecular consequence: intron variant.
Genome position (GRCh38, 1-based): chr17:43,063,322, C>T on the plus strand (G>A on the coding strand, the complement: BRCA1 is on the minus strand). VCF-style: chr17-43063322-C-T. GRCh37 (hg19) VCF-style: chr17-41215339-C-T.
Other names: c.5064+11G>A (NM_001407689.1, NM_001407681.1, NM_001407687.1 and 6 more transcripts); c.5067+11G>A (NM_001407670.1, NM_001407675.1, NM_001407680.1 and 10 more transcripts); c.1761+11G>A (NM_001408431.1, NM_001408425.1, NM_001408428.1 and 4 more transcripts); c.1764+11G>A (NM_001408424.1, NM_001408422.1, NM_001408423.1 and 1 more transcripts); c.1875+11G>A (NM_001408407.1, NM_001408406.1, NM_001408408.1); c.1878+11G>A (NM_001408402.1, NM_001408473.1, NM_001408399.1 and 8 more transcripts); c.1881+11G>A (NM_001407984.1, NM_001407983.1, NM_001407992.1 and 12 more transcripts); c.5184+11G>A (NM_001407645.1, NM_001407644.1); and 72 more.
Identifiers: ClinVar variation 867799 (VCV000867799.12), dbSNP rs1567768534, ClinGen allele CA916080021.